The following is an entry in ClinVar:

ClinVar aggregate classification (germline): Uncertain significance (1 of 4 stars; one submission).

Submission:

GeneDx
Classification: Uncertain significance. Last evaluated: 2025-02-24. Review status: criteria provided, single submitter. Criteria: GeneDx Variant Classification Process June 2021. Collection method: clinical testing. Allele origin: germline. Affected: yes.
Comment: Not observed at significant frequency in large population cohorts (gnomAD); In silico analysis indicates that this missense variant does not alter protein structure/function; Has not been previously published as pathogenic or benign to our knowledge

NM_001292063.2(OTOG):c.4649C>G (p.Ala1550Gly)

Gene: OTOG (otogelin; plus strand). Cytogenetic location: 11p15.1.
Variant type: single nucleotide variant.
Coding change: c.4649C>G on transcript NM_001292063.2 (MANE Select); coding-DNA position 4649, C replaced by G.
Protein change: p.Ala1550Gly; replaces alanine 1550 with glycine.
Molecular consequence: missense variant.
Genome position (GRCh38, 1-based): chr11:17,609,949, C>G. VCF-style: chr11-17609949-C-G. GRCh37 (hg19) VCF-style: chr11-17631496-C-G.
Other names: c.4685C>G, p.Ala1562Gly (NM_001277269.2); short protein forms A1550G, A1562G.
Identifiers: ClinVar variation 4076752 (VCV004076752.1).